The following is an entry in ClinVar:

NM_017841.4(SDHAF2):c.181G>A (p.Glu61Lys)

Gene: SDHAF2 (succinate dehydrogenase complex assembly factor 2; plus strand). Cytogenetic location: 11q12.2.
Variant type: single nucleotide variant.
Coding change: c.181G>A on transcript NM_017841.4 (MANE Select); coding-DNA position 181, G replaced by A.
Protein change: p.Glu61Lys; replaces glutamic acid 61 with lysine.
Molecular consequence: missense variant.
Genome position (GRCh38, 1-based): chr11:61,437,769, G>A. VCF-style: chr11-61437769-G-A. GRCh37 (hg19) VCF-style: chr11-61205241-G-A.
Other names: short protein forms E61K.
Identifiers: ClinVar variation 1003571 (VCV001003571.6), dbSNP rs1862011311, ClinGen allele CA380683502.

ClinVar aggregate classification (germline): Uncertain significance (1 of 4 stars; one submission).

Conditions:
Hereditary pheochromocytoma and paraganglioma. Also called: Hereditary pheochromocytoma-paraganglioma; Hereditary Paraganglioma-Pheochromocytoma Syndromes; Hereditary paragangliomas and pheochromocytomas. Identifiers: Orphanet 29072, MedGen C4274332, MONDO:0017366.

Submission:

Labcorp Genetics (formerly Invitae), Labcorp
Classification: Uncertain significance for Hereditary pheochromocytoma and paraganglioma. Last evaluated: 2023-07-16. Review status: criteria provided, single submitter. Criteria: Invitae Variant Classification Sherloc (09022015). Collection method: clinical testing. Allele origin: germline.
Comment: An algorithm developed to predict the effect of missense changes on protein structure and function (PolyPhen-2) suggests that this variant is likely to be disruptive. ClinVar contains an entry for this variant (Variation ID: 1003571). This variant has not been reported in the literature in individuals affected with SDHAF2-related conditions. This variant is not present in population databases (gnomAD no frequency). This sequence change replaces glutamic acid, which is acidic and polar, with lysine, which is basic and polar, at codon 61 of the SDHAF2 protein (p.Glu61Lys). In summary, the available evidence is currently insufficient to determine the role of this variant in disease. Therefore, it has been classified as a Variant of Uncertain Significance.